The following is an entry in ClinVar:

ClinVar aggregate classification (germline): Uncertain significance. Review status: criteria provided, multiple submitters, no conflicts (2 of 4 stars). 2 submissions from 2 submitters: Uncertain significance (2). Last evaluated 2024-07-29.

Conditions:
Hereditary cancer-predisposing syndrome. Also called: Tumor predisposition; Neoplastic Syndromes, Hereditary; Hereditary Cancer Syndrome; Hereditary neoplastic syndrome. Identifiers: Orphanet 140162, MedGen C0027672, MeSH D009386, MONDO:0015356.
Breast-ovarian cancer, familial, susceptibility to, 4. Identifiers: Orphanet 145, MedGen C3280345, MONDO:0013669, OMIM 614291.

gnomAD v4.1: 1 of 1,614,172 alleles (0.000062%); highest among the groups gnomAD compares: African/African-American, 0.0013%; no homozygotes.

Submissions (2):

Ambry Genetics
Classification: Uncertain significance for Hereditary cancer-predisposing syndrome. Last evaluated: 2024-07-29. Review status: criteria provided, single submitter. Criteria: Ambry Variant Classification Scheme 2023. Collection method: clinical testing. Allele origin: germline.
Comment: The p.L75V variant (also known as c.223C>G), located in coding exon 3 of the RAD51D gene, results from a C to G substitution at nucleotide position 223. The leucine at codon 75 is replaced by valine, an amino acid with highly similar properties. This amino acid position is highly conserved in available vertebrate species. In addition, the in silico prediction for this alteration is inconclusive. Based on the available evidence, the clinical significance of this variant remains unclear.

Department of Human Genetics, Hannover Medical School
Classification: Uncertain significance for Breast-ovarian cancer, familial, susceptibility to, 4. Last evaluated: 2022-09-02. Review status: criteria provided, single submitter. Criteria: ACMG Guidelines, 2015. Collection method: clinical testing. Allele origin: germline. Affected: yes.
Comment: This variant is a missense variant that leads to an exchange of the highly conserved amino acid leucine by valine. The variant is not present in the population database gnomAD and the Flossies database (database of variants in women over 70 years of age who have never had cancer). An in silico analysis of this variant using the REVEL program suggests that it may be benign. The variant has not been reported in the literature so far.

NM_002878.4(RAD51D):c.223C>G (p.Leu75Val)

Genes: RAD51D (RAD51 paralog D; minus strand), RAD51L3-RFFL (RAD51L3-RFFL readthrough; minus strand). Cytogenetic location: 17q12.
Variant type: single nucleotide variant.
Coding change: c.223C>G on transcript NM_002878.4 (MANE Select); coding-DNA position 223, C replaced by G.
Protein change: p.Leu75Val; replaces leucine 75 with valine.
Molecular consequence: missense variant. On other transcripts: intron variant (2).
Genome position (GRCh38, 1-based): chr17:35,118,541, G>C on the plus strand (C>G on the coding strand, the complement: RAD51D is on the minus strand). VCF-style: chr17-35118541-G-C. GRCh37 (hg19) VCF-style: chr17-33445560-G-C.
Other names: c.144+570C>G (NM_133629.3, NM_001142571.2); c.223C>G (NM_002878.3); short protein forms L75V.
Identifiers: ClinVar variation 1703706 (VCV001703706.2), dbSNP rs746929682, ClinGen allele CA399091251.